The following is an entry in ClinVar:

NM_001220.5(CAMK2B):c.1468T>G (p.Ser490Ala)

Gene: CAMK2B (calcium/calmodulin dependent protein kinase II beta; minus strand). Cytogenetic location: 7p13.
Variant type: single nucleotide variant.
Coding change: c.1468T>G on transcript NM_001220.5 (MANE Select); coding-DNA position 1468, T replaced by G.
Protein change: p.Ser490Ala; replaces serine 490 with alanine.
Molecular consequence: missense variant. On other transcripts: intron variant (8).
Genome position (GRCh38, 1-based): chr7:44,228,796, A>C on the plus strand (T>G on the coding strand, the complement: CAMK2B is on the minus strand). VCF-style: chr7-44228796-A-C. GRCh37 (hg19) VCF-style: chr7-44268395-A-C.
Other names: c.947-7895T>G (NM_172084.3); c.1150+2210T>G (NM_172080.3); c.1036+2210T>G (NM_172083.3); c.1108+2210T>G (NM_172081.3); c.1153+2210T>G (NM_172079.3, NM_172082.3); c.1225+2210T>G (NM_001293170.2, NM_172078.3); short protein forms S490A.
Identifiers: ClinVar variation 4055896 (VCV004055896.1).

ClinVar aggregate classification (germline): Uncertain significance (1 of 4 stars; one submission).

Submission:

GeneDx
Classification: Uncertain significance. Last evaluated: 2025-01-03. Review status: criteria provided, single submitter. Criteria: GeneDx Variant Classification Process June 2021. Collection method: clinical testing. Allele origin: germline. Affected: yes.
Comment: Not observed at significant frequency in large population cohorts (gnomAD); In silico analysis indicates that this missense variant does not alter protein structure/function; Has not been previously published as pathogenic or benign to our knowledge